The following is an entry in ClinVar:

NM_000102.4(CYP17A1):c.1319G>A (p.Arg440His)

Gene: CYP17A1 (cytochrome P450 family 17 subfamily A member 1; minus strand). Cytogenetic location: 10q24.32.
Variant type: single nucleotide variant.
Coding change: c.1319G>A on transcript NM_000102.4 (MANE Select); coding-DNA position 1319, G replaced by A.
Protein change: p.Arg440His; replaces arginine 440 with histidine.
Molecular consequence: missense variant.
Genome position (GRCh38, 1-based): chr10:102,830,910, C>T on the plus strand (G>A on the coding strand, the complement: CYP17A1 is on the minus strand). VCF-style: chr10-102830910-C-T. GRCh37 (hg19) VCF-style: chr10-104590667-C-T.
Other names: short protein forms R440H.
Identifiers: ClinVar variation 1338524 (VCV001338524.11), dbSNP rs777638364, ClinGen allele CA5669340.
Genomic context (GRCh38, chr10:102,830,910, plus strand): 5'-AGCAGCCAGGCCATGATGAGGAAGAGCTCCTGGCGGGCCAGGATCTCACCTATACAGGAG[C>T]GAGGTCCTGCTCCGAAGGGCAAATAGCTTACTGACGGTGAGATGAGCTGGGTCCCCGCTG-3'
Protein context (NP_000093.1, residues 430-450): VSYLPFGAGP[Arg440His]SCIGEILARQ

ClinVar aggregate classification (germline): Pathogenic. Review status: criteria provided, multiple submitters, no conflicts (2 of 4 stars). 4 submissions from 4 submitters: Pathogenic (4). Last evaluated 2025-09-25.

Conditions:
Congenital adrenal hyperplasia. Identifiers: Orphanet 418, MedGen C0001627, MONDO:0018479, HP:0008258.
Deficiency of steroid 17-alpha-monooxygenase. Also called: ADRENAL HYPERPLASIA V; Congenital adrenal hyperplasia due to 17-alpha-hydroxylase deficiency; Congenital adrenal hyperplasia type 5; 17-alpha-hydroxylase/17,20-lyase deficiency; 17-ALPHA-HYDROXYLASE DEFICIENCY. Identifiers: Orphanet 90793, MedGen C0268285, MONDO:0008730, OMIM 202110.

Allele frequency attached by ClinVar (database versions not stated): gnomAD exomes 0.00001; TOPMed 0.00001.

Submissions (4):

Natera, Inc.
Classification: Pathogenic for Deficiency of steroid 17-alpha-monooxygenase. Last evaluated: 2025-09-25. Review status: criteria provided, single submitter. Criteria: Natera Variant Classification Schema (03/2026). Collection method: clinical testing. Allele origin: germline.
Comment: The c.1319G>A variant in CYP17A1 is a missense variant predicted to cause substitution of arginine to histidine at amino acid 440. This variant is rare in the general population with a frequency below the threshold expected for the associated phenotype(s). This variant has been observed in one or more individuals affected with the associated recessive disease, as either homozygous or compound heterozygous with a second variant (PMID: 35990289, 20197673, 8027220). Additionally, this variant has been observed to segregate in affected family members (PMID: 35990289). Functional studies show that this variant may disrupt protein function (PMID: 8027220). A different variant at the same position has been determined to be Pathogenic or Likely Pathogenic. Computational prediction algorithms indicate this variant is likely to affect gene or protein function. Given the available evidence, this variant is classified as Pathogenic.

Labcorp Genetics (formerly Invitae), Labcorp
Classification: Pathogenic. Last evaluated: 2024-01-18. Review status: criteria provided, single submitter. Criteria: Invitae Variant Classification Sherloc (09022015). Collection method: clinical testing. Allele origin: germline.
Comment: This sequence change replaces arginine, which is basic and polar, with histidine, which is basic and polar, at codon 440 of the CYP17A1 protein (p.Arg440His). The frequency data for this variant in the population databases is considered unreliable, as metrics indicate poor data quality at this position in the gnomAD database. This missense change has been observed in individual(s) with CYP17A1-related conditions (PMID: 8027220, 20197673). ClinVar contains an entry for this variant (Variation ID: 1338524). An algorithm developed to predict the effect of missense changes on protein structure and function (PolyPhen-2) suggests that this variant is likely to be disruptive. Experimental studies have shown that this missense change affects CYP17A1 function (PMID: 8027220). This variant disrupts the p.Arg440 amino acid residue in CYP17A1. Other variant(s) that disrupt this residue have been determined to be pathogenic (PMID: 19454579, 34829455). This suggests that this residue is clinically significant, and that variants that disrupt this residue are likely to be disease-causing. For these reasons, this variant has been classified as Pathogenic.

Women's Health and Genetics/Laboratory Corporation of America, LabCorp
Classification: Pathogenic for Congenital adrenal hyperplasia. Last evaluated: 2023-07-18. Review status: criteria provided, single submitter. Criteria: LabCorp Variant Classification Summary - May 2015. Collection method: clinical testing. Allele origin: germline.
Comment: Variant summary: CYP17A1 c.1319G>A (p.Arg440His) results in a non-conservative amino acid change to a well-conserved residue (HGMD) in the encoded protein sequence. Five of five in-silico tools predict a damaging effect of the variant on protein function. The variant allele was found at a frequency of 5.1e-06 in 197116 control chromosomes (gnomAD). c.1319G>A has been reported in the literature in multiple individuals affected with 17 alpha-hydroxylase deficiency (Fardella_1994, Rosa_2010, Ata_2021, Koprulu_2022), and one was reported as compound heterozygous with another missense variant that showed a lack of enzymatic activity. These data indicate that the variant is very likely to be associated with disease. At least one publication reports experimental evidence evaluating an impact on protein function, findind that transfected cells with the variant lacked both 17 alpha-hydroxylase and 17,20-lyase activities (Fardella_1994). The following publications have been ascertained in the context of this evaluation (PMID: 8027220, 20197673, 33516834, 35990289). One submitter has cited a clinical-significance assessment for this variant to ClinVar after 2014 and has classified the variant as pathogenic. Based on the evidence outlined above, the variant was classified as pathogenic.

Genetic Services Laboratory, University of Chicago
Classification: Pathogenic. Last evaluated: 2019-05-30. Review status: criteria provided, single submitter. Criteria: ACMG Guidelines, 2015. Collection method: clinical testing. Allele origin: germline. Affected: yes.
Comment: DNA sequence analysis of the CYP17A1 gene demonstrated an apparently homozygous sequence change, c.1319G>A, in exon 8 that results in an amino acid change, p.Arg440His. This sequence change has been described in the gnomAD database with a low population frequency of 0.00051% (dbSNP rs777638364); it has been observed only in one individual in the heterozygous state. This sequence change has previously been described in patients with complete lack of masculinization (PMID: 8027220) and combined 17a-hydroxylase/17,20-lyase deficiency (PMID: 20197673) in the compound heterozygous and homozygous state respectively. Additionally, a different amino acid substitution at the same residue, p.Arg440Cys, was identified in a patient with tall stature, hypertension and impaired CYP17A1 activity in the compound heterozygous state with a different varinat (PMID: 19454579). The p.Arg440His change affects a highly conserved amino acid residue located in a domain of the CYP17A1 protein that is known to be functional. The p.Arg440His substitution appears to be deleterious using several in-silico pathogenicity prediction tools (SIFT, PolyPhen2, Align GVGD, REVEL). These collective evidences indicate that this sequence change is pathogenic.

Literature cited by the submitters: PubMed 35990289 (cited by Natera, Inc. and Women's Health and Genetics/Laboratory Corporation of America, LabCorp); PubMed 20197673 (cited by 3 submitters); PubMed 8027220 (cited by 3 submitters); PubMed 19454579 (cited by Labcorp Genetics (formerly Invitae), Labcorp); PubMed 34829455 (cited by Labcorp Genetics (formerly Invitae), Labcorp); PubMed 33516834 (cited by Women's Health and Genetics/Laboratory Corporation of America, LabCorp).